The following is an entry in ClinVar:

NM_001372051.1(CASP8):c.429_430insTTTTTTTTTTTTTTTTTTTTNNNNNNNNNNGGAAGCTCCCAAGATGACTACCTCCAGCCTCTGGCCACAGGGAACCTTCTTCATATCCCACAAGCAAAGGAGCTGGATATTTTC (p.Phe143_Ile144insPhePhePhePhePhePheXaaXaaXaaXaaGlySerSerGlnAspAspTyrLeuGlnProLeuAlaThrGlyAsnLeuLeuHisIleProGlnAlaLysGluLeuAspIlePhe)

Gene: CASP8 (caspase 8; plus strand). Cytogenetic location: 2q33.1.
Variant type: Insertion.
Coding change: c.429_430insTTTTTTTTTTTTTTTTTTTTNNNNNNNNNNGGAAGCTCCCAAGATGACTACCTCCAGCCTCTGGCCACAGGGAACCTTCTTCATATCCCACAAGCAAAGGAGCTGGATATTTTC on transcript NM_001372051.1 (MANE Select); coding-DNA positions 429 to 430, TTTTTTTTTTTTTTTTTTTTNNNNNNNNNNGGAAGCTCCCAAGATGACTACCTCCAGCCTCTGGCCACAGGGAACCTTCTTCATATCCCACAAGCAAAGGAGCTGGATATTTTC inserted.
Protein change: p.Phe143_Ile144insPhePhePhePhePhePheXaaXaaXaaXaaGlySerSerGlnAspAspTyrLeuGlnProLeuAlaThrGlyAsnLeuLeuHisIleProGlnAlaLysGluLeuAspIlePhe.
Molecular consequence: inframe insertion. On other transcripts: inframe indel (2), 5 prime UTR variant (11), non-coding transcript variant (22).
Genome position: GRCh38: chr2:201,272,655-201,272,656. GRCh37 (hg19): chr2:202,137,378-202,137,379.
Other names: c.429_430insTTTTTTTTTTTTTTTTTTTTNNNNNNNNNNGGAAGCTCCCAAGATGACTACCTCCAGCCTCTGGCCACAGGGAACCTTCTTCATATCCCACAAGCAAAGGAGCTGGATATTTTC, p.Phe143_Ile144insPhePhePhePhePhePheXaaXaaXaaXaaGlySerSerGlnAspAspTyrLeuGlnProLeuAlaThrGlyAsnLeuLeuHisIleProGlnAlaLysGluLeuAspIlePhe (NM_001080124.2, NM_001400645.1, NM_001400648.1 and 20 more transcripts); c.606_607insTTTTTTTTTTTTTTTTTTTTNNNNNNNNNNGGAAGCTCCCAAGATGACTACCTCCAGCCTCTGGCCACAGGGAACCTTCTTCATATCCCACAAGCAAAGGAGCTGGATATTTTC, p.Phe202_Ile203insPhePhePhePhePhePheXaaXaaXaaXaaGlySerSerGlnAspAspTyrLeuGlnProLeuAlaThrGlyAsnLeuLeuHisIleProGlnAlaLysGluLeuAspIlePhe (NM_001080125.2, NM_001400642.1, NM_001400665.1); c.525_526insTTTTTTTTTTTTTTTTTTTTNNNNNNNNNNGGAAGCTCCCAAGATGACTACCTCCAGCCTCTGGCCACAGGGAACCTTCTTCATATCCCACAAGCAAAGGAGCTGGATATTTTC, p.Phe175_Ile176insPhePhePhePhePhePheXaaXaaXaaXaaGlySerSerGlnAspAspTyrLeuGlnProLeuAlaThrGlyAsnLeuLeuHisIleProGlnAlaLysGluLeuAspIlePhe (NM_001228.5); c.120_121insTTTTTTTTTTTTTTTTTTTTNNNNNNNNNNGGAAGCTCCCAAGATGACTACCTCCAGCCTCTGGCCACAGGGAACCTTCTTCATATCCCACAAGCAAAGGAGCTGGATATTTTC, p.Phe40_Ile41insPhePhePhePhePhePheXaaXaaXaaXaaGlySerSerGlnAspAspTyrLeuGlnProLeuAlaThrGlyAsnLeuLeuHisIleProGlnAlaLysGluLeuAspIlePhe (NM_001400669.1); c.-104_-103insTTTTTTTTTTTTTTTTTTTTNNNNNNNNNNGGAAGCTCCCAAGATGACTACCTCCAGCCTCTGGCCACAGGGAACCTTCTTCATATCCCACAAGCAAAGGAGCTGGATATTTTC (NM_001400671.1, NM_001400672.1, NM_001400673.1 and 6 more transcripts); c.-285_-284insTTTTTTTTTTTTTTTTTTTTNNNNNNNNNNGGAAGCTCCCAAGATGACTACCTCCAGCCTCTGGCCACAGGGAACCTTCTTCATATCCCACAAGCAAAGGAGCTGGATATTTTC (NM_001400674.1); c.-183_-182insTTTTTTTTTTTTTTTTTTTTNNNNNNNNNNGGAAGCTCCCAAGATGACTACCTCCAGCCTCTGGCCACAGGGAACCTTCTTCATATCCCACAAGCAAAGGAGCTGGATATTTTC (NM_001400680.1).
Identifiers: ClinVar variation 2130976 (VCV002130976.4), dbSNP rs2470081765.

ClinVar aggregate classification (germline): Pathogenic (1 of 4 stars; one submission).

Conditions:
Autoimmune lymphoproliferative syndrome type 2B. Also called: AUTOIMMUNE LYMPHOPROLIFERATIVE SYNDROME, TYPE IIB. Identifiers: Orphanet 275517, MedGen C1846545, MONDO:0011804, OMIM 607271.

Submission:

Labcorp Genetics (formerly Invitae), Labcorp
Classification: Pathogenic for Autoimmune lymphoproliferative syndrome type 2B. Last evaluated: 2022-04-27. Review status: criteria provided, single submitter. Criteria: Invitae Variant Classification Sherloc (09022015). Collection method: clinical testing. Allele origin: germline.
Comment: For these reasons, this variant has been classified as Pathogenic. Retrotransposon insertions including LINE1 (L1), Alu, and SVA (SINE-VNTR-Alu) have been reported to be disease-causing through disruption of either a coding region or splice site (PMID: 19763152, 20307669, 22406018) and loss-of-function variants in CASP8 are known to be pathogenic (PMID: 12353035, 25814141). Algorithms developed to predict the effect of sequence changes on RNA splicing suggest that this variant may disrupt the consensus splice site. This variant has not been reported in the literature in individuals affected with CASP8-related conditions. This variant is not present in population databases (gnomAD no frequency). This sequence change inserts a large fragment of DNA, likely a transposable element, in exon 6 of the CASP8 gene (c.525_526ins?), causing a frameshift at codon 175 (p.Phe175fs). The exact size and sequence of the insertion cannot be determined by the current assay. However, the insertion is expected to result in an absent or disrupted protein product.

Literature cited by the submitters: PubMed 19763152; PubMed 20307669; PubMed 22406018; PubMed 12353035; PubMed 25814141.